The following is an entry in ClinVar:

GRCh37/hg19 2p12-11.2(chr2:81209244-86688030)x1

Genes: POLR1A (RNA polymerase I subunit A; minus strand), PTCD3 (pentatricopeptide repeat domain 3; plus strand), TRABD2A (TraB domain containing 2A; minus strand), REEP1 (receptor accessory protein 1; minus strand), RETSAT (retinol saturase; minus strand) and 24 more. Cytogenetic location: 2p12-11.2.
Variant type: copy number loss.
Change: copy number 1 (one copy instead of two) of chr2:81,209,244-86,688,030 (5.48 Mb, GRCh37 coordinates, 1-based), cytogenetic band 2p12-11.2.
Identifiers: ClinVar variation 1180533 (VCV001180533.4).

ClinVar aggregate classification (germline): Pathogenic (1 of 4 stars; one submission).

Submission:

Illumina Laboratory Services, Illumina
Classification: Pathogenic. Last evaluated: 2020-05-13. Review status: criteria provided, single submitter. Criteria: ICSL CNVClassificationCriteria Jul2020Prior. Collection method: clinical testing. Allele origin: unknown.
Comment: This CNV is a 5.5 Mb deletion of 2p11.2-p12 on chromosome 2, (seq[GRCh37]del(2)(p12p11.2); chr2:g.81209244_86688030del), found in a de novo state. This CNV constitutes a loss affecting 42 genes. Similar previously reported deletions have been larger, but the gene-poor region encompassed by these CNVs is not thought to contribute to the phenotype. Similar deletions with similar centromeric breakpoints have been described and thought to contribute to disease (Writzl et al. 2009; Stevens et al. 2015). Similar deletions have not been observed in controls (MacDonald et al. 2014). Based on the collective evidence, this CNV is classified as pathogenic.

Literature cited by the submitters: PubMed 19764038; PubMed 24174537; PubMed 24986827.